The following is an entry in ClinVar:

ClinVar aggregate classification (germline): Uncertain significance (1 of 4 stars; one submission).

Allele frequency attached by ClinVar (database versions not stated): gnomAD 0.00001; TOPMed 0.00002.
gnomAD v4.1: 12 of 1,612,592 alleles (0.00074%); highest among the groups gnomAD compares: African/African-American, 0.0013%; no homozygotes.

Submission:

Labcorp Genetics (formerly Invitae), Labcorp
Classification: Uncertain significance. Last evaluated: 2024-09-05. Review status: criteria provided, single submitter. Criteria: Invitae Variant Classification Sherloc (09022015). Collection method: clinical testing. Allele origin: germline.
Comment: This sequence change replaces methionine, which is neutral and non-polar, with valine, which is neutral and non-polar, at codon 484 of the CKAP2L protein (p.Met484Val). This variant is present in population databases (no rsID available, gnomAD 0.007%). This variant has not been reported in the literature in individuals affected with CKAP2L-related conditions. Invitae Evidence Modeling of protein sequence and biophysical properties (such as structural, functional, and spatial information, amino acid conservation, physicochemical variation, residue mobility, and thermodynamic stability) indicates that this missense variant is expected to disrupt CKAP2L protein function with a positive predictive value of 80%. In summary, the available evidence is currently insufficient to determine the role of this variant in disease. Therefore, it has been classified as a Variant of Uncertain Significance.

NM_152515.5(CKAP2L):c.1450A>G (p.Met484Val)

Gene: CKAP2L (cytoskeleton associated protein 2 like; minus strand). Cytogenetic location: 2q14.1.
Variant type: single nucleotide variant.
Coding change: c.1450A>G on transcript NM_152515.5 (MANE Select); coding-DNA position 1450, A replaced by G.
Protein change: p.Met484Val; replaces methionine 484 with valine.
Molecular consequence: missense variant. On other transcripts: non-coding transcript variant (1).
Genome position (GRCh38, 1-based): chr2:112,752,419, T>C on the plus strand (A>G on the coding strand, the complement: CKAP2L is on the minus strand). VCF-style: chr2-112752419-T-C. GRCh37 (hg19) VCF-style: chr2-113509996-T-C.
Other names: c.955A>G, p.Met319Val (NM_001304361.2); short protein forms M319V, M484V.
Identifiers: ClinVar variation 3023963 (VCV003023963.3), dbSNP rs1349477104, ClinGen allele CA348294728.